The following is an entry in ClinVar:

NM_000053.4(ATP7B):c.1707+29dup

Gene: ATP7B (ATPase copper transporting beta; minus strand). Cytogenetic location: 13q14.3.
Variant type: Duplication.
Coding change: c.1707+29dup on transcript NM_000053.4 (MANE Select); 29 bases into the intron after coding-DNA position 1707, one base duplicated (A; older notation c.1707+29dupA).
Molecular consequence: intron variant.
Genome position (GRCh38, 1-based): chr13:51,968,415, T duplicated on the plus strand (A on the coding strand, the reverse complement: ATP7B is on the minus strand). VCF-style (leftmost placement, unchanged base first): chr13-51968414-G-GT. GRCh37 (hg19) VCF-style: chr13-52542550-G-GT.
Other names: c.1374+29dup (NM_001243182.2); c.1707+29dup (NM_001005918.3, NM_001330579.2, NM_001330578.2); c.1707+29dupA (NM_000053.4).
Identifiers: ClinVar variation 495401 (VCV000495401.5), dbSNP rs113829533, ClinGen allele CA6989262.

ClinVar aggregate classification (germline): Likely benign. Review status: criteria provided, single submitter (1 of 4 stars). 2 submissions from 2 submitters: Likely benign (1). 1 of the submissions does not count toward it. Last evaluated 2016-06-15.

Conditions:
Wilson disease (WND). Also called: Wilson's disease. Identifiers: Orphanet 905, MedGen C0019202, MONDO:0010200, OMIM 277900. Disease mechanism: loss of function.

Allele frequency attached by ClinVar (database versions not stated): gnomAD exomes 0.00025 and 0.00063; ExAC 0.00087; gnomAD 0.00257 and 0.00273; TOPMed 0.00279; ESP Exome Variant Server 0.00281; 1000 Genomes Project 0.00399; 1000 Genomes Project 30x 0.00500.

Submissions (2):

Women's Health and Genetics/Laboratory Corporation of America, LabCorp
Classification: Likely benign. Last evaluated: 2016-06-15. Review status: criteria provided, single submitter. Criteria: LabCorp Variant Classification Summary - May 2015. Collection method: clinical testing. Allele origin: germline.
Comment: Variant summary: The ATP7B c.1707+29dupA variant involves the alteration of a non-conserved intronic nucleotide. One in silico tool predicts a benign outcome for this variant. 5/5 splice prediction tools predict no significant impact on normal splicing. However, these predictions have yet to be confirmed by functional studies. This variant was found in 105/120656 control chromosomes, predominantly observed in the African subpopulation at a frequency of 0.0094917 (93/9798). This frequency is about 2 times the estimated maximal expected allele frequency of a pathogenic ATP7B variant (0.0054006), suggesting this is likely a benign polymorphism found primarily in the populations of African origin. The variant of interest has not, to our knowledge, been reported in affected individuals via publications and/or reputable databases/clinical diagnostic laboratories; nor evaluated for functional impact by in vivo/vitro studies. Taken together, the variant was classified as likely benign until additional information becomes available.

Natera, Inc.
Classification: Likely benign for Wilson disease. Last evaluated: 2020-09-16. Review status: no assertion criteria provided. Collection method: clinical testing. Allele origin: germline. Not counted in ClinVar's aggregate classification.